The following is an entry in ClinVar:

NM_001607.4(ACAA1):c.546-4C>A

Gene: ACAA1 (acetyl-CoA acyltransferase 1; minus strand). Cytogenetic location: 3p22.2.
Variant type: single nucleotide variant.
Coding change: c.546-4C>A on transcript NM_001607.4 (MANE Select); 4 bases into the intron before coding-DNA position 546, C replaced by A.
Molecular consequence: intron variant.
Genome position (GRCh38, 1-based): chr3:38,127,870, G>T on the plus strand (C>A on the coding strand, the complement: ACAA1 is on the minus strand). VCF-style: chr3-38127870-G-T. GRCh37 (hg19) VCF-style: chr3-38169361-G-T.
Other names: c.447-4C>A (NM_001130410.2).
Identifiers: ClinVar variation 3352674 (VCV003352674.1).

ClinVar aggregate classification (germline): Likely benign (0 of 4 stars; one submission).

Conditions:
ACAA1-related disorder. Also called: ACAA1-related condition.

gnomAD v4.1: 2 of 1,613,966 alleles (0.00012%); highest among the groups gnomAD compares: Non-Finnish European, 0.000085%; no homozygotes.

Submission:

PreventionGenetics, part of Exact Sciences
Classification: Likely benign for ACAA1-related condition. Last evaluated: 2019-05-03. Review status: no assertion criteria provided. Collection method: clinical testing. Allele origin: germline.
Comment: This variant is classified as likely benign based on ACMG/AMP sequence variant interpretation guidelines (Richards et al. 2015 PMID: 25741868, with internal and published modifications).